The following is an entry in ClinVar:

ClinVar aggregate classification (germline): Conflicting classifications of pathogenicity. Review status: criteria provided, conflicting classifications (1 of 4 stars). 10 submissions from 10 submitters: Uncertain significance (3); Likely benign (6). 1 of the submissions does not count toward it. Last evaluated 2026-04-15.

Conditions:
DMD-related disorder. Also called: DMD-related condition.
Cardiovascular phenotype. Identifiers: MedGen CN230736.
Duchenne muscular dystrophy (DMD). Also called: MUSCULAR DYSTROPHY, PSEUDOHYPERTROPHIC PROGRESSIVE, DUCHENNE TYPE; Duchenne Muscular Dystrophy (DMD). Identifiers: Orphanet 98896, MedGen C0013264, MONDO:0010679, OMIM 310200.

Allele frequency attached by ClinVar (database versions not stated): gnomAD 0.00004 and 0.00005; TOPMed 0.00007.
gnomAD v4.1: 48 of 1,207,545 alleles (0.004%); highest among the groups gnomAD compares: Middle Eastern, 0.069%; no homozygotes.

Submissions (10):

Women's Health and Genetics/Laboratory Corporation of America, LabCorp
Classification: Likely benign. Last evaluated: 2026-04-15. Review status: criteria provided, single submitter. Criteria: LabCorp Variant Classification Summary - May 2015. Collection method: clinical testing. Allele origin: germline.
Comment: Variant summary: DMD c.5464G>A (p.Gly1822Ser) results in a non-conservative amino acid change located in the Central rod domain of the encoded protein sequence. Algorithms developed to predict the effect of missense changes on protein structure and function are either unavailable or do not agree on the potential impact of this missense change. The variant allele was found at a frequency of 4e-05 in 1207545 control chromosomes, predominantly at a frequency of 0.00026 within the Latino subpopulation in the gnomAD database, including 3 hemizygotes. The observed variant frequency within Latino control individuals in the gnomAD database exceeds the estimated maximal expected allele frequency for disease-causing variants in DMD. To our knowledge, no occurrence of c.5464G>A in individuals affected with DMD-related conditions and no experimental evidence demonstrating its impact on protein function have been reported. ClinVar contains an entry for this variant (Variation ID: 290140). Based on the evidence outlined above, the variant was classified as likely benign.

Labcorp Genetics (formerly Invitae), Labcorp
Classification: Likely benign for Duchenne muscular dystrophy. Last evaluated: 2025-12-15. Review status: criteria provided, single submitter. Criteria: Invitae Variant Classification Sherloc (09022015). Collection method: clinical testing. Allele origin: germline.

Molecular Diagnostic Laboratory for Inherited Cardiovascular Disease, Montreal Heart Institute
Classification: Uncertain significance for Cardiovascular phenotype. Last evaluated: 2025-04-09. Review status: criteria provided, single submitter. Criteria: ACMG Guidelines, 2015. Collection method: clinical testing. Allele origin: germline. Affected: yes.

Ambry Genetics
Classification: Likely benign for Cardiovascular phenotype. Last evaluated: 2024-12-23. Review status: criteria provided, single submitter. Criteria: Ambry Variant Classification Scheme 2023. Collection method: clinical testing. Allele origin: germline.

Blueprint Genetics
Classification: Likely benign. Last evaluated: 2024-10-23. Review status: criteria provided, single submitter. Criteria: ACMG Guidelines, 2015. Collection method: clinical testing. Allele origin: germline.

CeGaT Center for Human Genetics Tuebingen
Classification: Likely benign. Last evaluated: 2023-08-01. Review status: criteria provided, single submitter. Criteria: CeGaT Center For Human Genetics Tuebingen Variant Classification Criteria Version 2. Collection method: clinical testing. Allele origin: germline. Affected: yes. Observed: 1 variant allele.
Comment: DMD: BS2

Revvity Omics, Revvity
Classification: Uncertain significance. Last evaluated: 2021-09-14. Review status: criteria provided, single submitter. Criteria: ACMG Guidelines, 2015. Collection method: clinical testing. Allele origin: germline.

Eurofins Ntd Llc (ga)
Classification: Uncertain significance. Last evaluated: 2017-01-23. Review status: criteria provided, single submitter. Criteria: EGL Classification Definitions 2015. Collection method: clinical testing. Allele origin: germline. Observed: 2 variant alleles, 1 heterozygote, 1 hemizygote.

GeneDx
Classification: Likely benign. Last evaluated: 2016-06-16. Review status: criteria provided, single submitter. Criteria: GeneDx Variant Classification (06012015). Collection method: clinical testing. Allele origin: germline. Affected: yes.
Comment: This variant is considered likely benign or benign based on one or more of the following criteria: it is a conservative change, it occurs at a poorly conserved position in the protein, it is predicted to be benign by multiple in silico algorithms, and/or has population frequency not consistent with disease.

PreventionGenetics, part of Exact Sciences
Classification: Likely benign for DMD-related condition. Last evaluated: 2024-05-01. Review status: no assertion criteria provided. Collection method: clinical testing. Allele origin: germline. Not counted in ClinVar's aggregate classification.
Comment: This variant is classified as likely benign based on ACMG/AMP sequence variant interpretation guidelines (Richards et al. 2015 PMID: 25741868, with internal and published modifications).

Literature cited by the submitters: PubMed 25353622 (cited by Women's Health and Genetics/Laboratory Corporation of America, LabCorp); PubMed 39588385 (cited by Ambry Genetics).

NM_004006.3(DMD):c.5464G>A (p.Gly1822Ser)

Gene: DMD (dystrophin; minus strand). Cytogenetic location: Xp21.1.
Variant type: single nucleotide variant.
Coding change: c.5464G>A on transcript NM_004006.3 (MANE Select); coding-DNA position 5464, G replaced by A.
Protein change: p.Gly1822Ser; replaces glycine 1822 with serine.
Molecular consequence: missense variant.
Genome position (GRCh38, 1-based): chrX:32,346,065, C>T on the plus strand (G>A on the coding strand, the complement: DMD is on the minus strand). VCF-style: chrX-32346065-C-T. GRCh37 (hg19) VCF-style: chrX-32364182-C-T.
Other names: c.5440G>A, p.Gly1814Ser (NM_000109.4); c.5452G>A, p.Gly1818Ser (NM_004009.3); c.5095G>A, p.Gly1699Ser (NM_004010.3); c.1441G>A, p.Gly481Ser (NM_004011.4); c.1432G>A, p.Gly478Ser (NM_004012.4); short protein forms G1822S, G1699S, G1814S, G481S, G1818S, G478S.
Identifiers: ClinVar variation 290140 (VCV000290140.44), dbSNP rs766746479, ClinGen allele CA10378676.